The following is an entry in ClinVar:

ClinVar aggregate classification (germline): Uncertain significance (1 of 4 stars; one submission).

gnomAD v4.1: 38 of 1,613,860 alleles (0.0024%); highest among the groups gnomAD compares: South Asian, 0.0055%; no homozygotes.

Submission:

Labcorp Genetics (formerly Invitae), Labcorp
Classification: Uncertain significance. Last evaluated: 2025-10-29. Review status: criteria provided, single submitter. Criteria: Invitae Variant Classification Sherloc (09022015). Collection method: clinical testing. Allele origin: germline.
Comment: This sequence change replaces valine, which is neutral and non-polar, with isoleucine, which is neutral and non-polar, at codon 201 of the RIPK1 protein (p.Val201Ile). This variant is present in population databases (rs750830587, gnomAD 0.01%). This variant has not been reported in the literature in individuals affected with RIPK1-related conditions. ClinVar contains an entry for this variant (Variation ID: 3614026). An algorithm developed to predict the effect of missense changes on protein structure and function outputs the following: PolyPhen-2: "Benign". The isoleucine amino acid residue is found in multiple mammalian species, which suggests that this missense change does not adversely affect protein function. In summary, the available evidence is currently insufficient to determine the role of this variant in disease. Therefore, it has been classified as a Variant of Uncertain Significance.

NM_001354930.2(RIPK1):c.601G>A (p.Val201Ile)

Gene: RIPK1 (receptor interacting serine/threonine kinase 1; plus strand). Cytogenetic location: 6p25.2.
Variant type: single nucleotide variant.
Coding change: c.601G>A on transcript NM_001354930.2 (MANE Select); coding-DNA position 601, G replaced by A.
Protein change: p.Val201Ile; replaces valine 201 with isoleucine.
Molecular consequence: missense variant.
Genome position (GRCh38, 1-based): chr6:3,083,226, G>A. VCF-style: chr6-3083226-G-A. GRCh37 (hg19) VCF-style: chr6-3083460-G-A.
Other names: c.112G>A, p.Val38Ile (NM_001354933.2, NM_001354934.2, NM_001317061.3 and 1 more transcripts); c.601G>A, p.Val201Ile (NM_003804.6); c.463G>A, p.Val155Ile (NM_001354931.2); short protein forms V155I, V201I, V38I.
Identifiers: ClinVar variation 3614026 (VCV003614026.2).